The following is an entry in ClinVar:

ClinVar aggregate classification (germline): Uncertain significance (1 of 4 stars; one submission).

Allele frequency attached by ClinVar (database versions not stated): gnomAD exomes below 0.00001; TOPMed below 0.00001.
gnomAD v4.1: 3 of 1,614,026 alleles (0.00019%); highest among the groups gnomAD compares: African/African-American, 0.004%; no homozygotes.

Submission:

CeGaT Center for Human Genetics Tuebingen
Classification: Uncertain significance. Last evaluated: 2023-05-01. Review status: criteria provided, single submitter. Criteria: CeGaT Center For Human Genetics Tuebingen Variant Classification Criteria Version 2. Collection method: clinical testing. Allele origin: germline. Affected: yes. Observed: 1 variant allele.
Comment: MBD5: PM2:Supporting, BP4

NM_001378120.1(MBD5):c.1221C>T (p.Leu407=)

Gene: MBD5 (methyl-CpG binding domain protein 5; plus strand). Cytogenetic location: 2q23.1.
Variant type: single nucleotide variant.
Coding change: c.1221C>T on transcript NM_001378120.1 (MANE Select); coding-DNA position 1221, C replaced by T.
Protein change: p.Leu407=; no amino-acid change (leucine 407 retained).
Molecular consequence: synonymous variant.
Genome position (GRCh38, 1-based): chr2:148,469,164, C>T. VCF-style: chr2-148469164-C-T. GRCh37 (hg19) VCF-style: chr2-149226733-C-T.
Other names: c.1221C>T, p.Leu407= (NM_018328.5).
Identifiers: ClinVar variation 2571086 (VCV002571086.27), dbSNP rs950136624, ClinGen allele CA57578069.